The following is an entry in ClinVar:

NM_004706.4(ARHGEF1):c.1030del (p.Leu344fs)

Gene: ARHGEF1 (Rho guanine nucleotide exchange factor 1; plus strand). Cytogenetic location: 19q13.2.
Variant type: Deletion.
Coding change: c.1030del on transcript NM_004706.4 (MANE Select); coding-DNA position 1030, one base deleted (C; older notation c.1030delC).
Protein change: p.Leu344fs; shifts the reading frame from leucine 344.
Molecular consequence: frameshift variant. On other transcripts: non-coding transcript variant (2).
Genome position (GRCh38, 1-based): chr19:41,896,391, C deleted; the last of 6 consecutive C bases (chr19:41,896,386-41,896,391); deleting any one gives the same sequence. VCF-style (leftmost placement, unchanged base first): chr19-41896385-GC-G. GRCh37 (hg19) VCF-style: chr19-42400458-GC-G.
Other names: c.1030del, p.Leu344fs (NM_001396000.1, NM_001396003.1, NM_001396006.1); c.931del, p.Leu311fs (NM_001396002.1, NM_001396004.1, NM_198977.2); c.1075del, p.Leu359fs (NM_199002.2); short protein forms L311fs, L359fs, L344fs.
Identifiers: ClinVar variation 2854808 (VCV002854808.3), dbSNP rs2513826774, ClinGen allele CA507582570.
Genomic context (GRCh38, chr19:41,896,385, plus strand): 5'-GTCTCGTGGCCGCAGAGGCCTTCCAGCCAGCCCTGCTCCCTCCACCCCACAGGTGCTGAC[GC>G]CCCCCTGGAGCTGGGGGACTCATCCCCGCAGGGCCCAATGAGCCTGGAGTCCTTGGCGCC-3'

ClinVar aggregate classification (germline): Uncertain significance (1 of 4 stars; one submission).

Submission:

Labcorp Genetics (formerly Invitae), Labcorp
Classification: Uncertain significance. Last evaluated: 2023-04-10. Review status: criteria provided, single submitter. Criteria: Invitae Variant Classification Sherloc (09022015). Collection method: clinical testing. Allele origin: germline.
Comment: This sequence change creates a premature translational stop signal (p.Leu359Trpfs*12) in the ARHGEF1 gene. It is expected to result in an absent or disrupted protein product. However, the current clinical and genetic evidence is not sufficient to establish whether loss-of-function variants in ARHGEF1 cause disease. This variant is not present in population databases (gnomAD no frequency). This variant has not been reported in the literature in individuals affected with ARHGEF1-related conditions. In summary, the available evidence is currently insufficient to determine the role of this variant in disease. Therefore, it has been classified as a Variant of Uncertain Significance.